The following is an entry in ClinVar:

NM_001042492.3(NF1):c.1530dup (p.Pro511fs)

Gene: NF1 (neurofibromin 1; plus strand). Cytogenetic location: 17q11.2.
Variant type: Duplication.
Coding change: c.1530dup on transcript NM_001042492.3 (MANE Select); coding-DNA position 1530, one base duplicated (T; older notation c.1530dupT).
Protein change: p.Pro511fs; shifts the reading frame from proline 511.
Molecular consequence: frameshift variant.
Genome position (GRCh38, 1-based): chr17:31,219,007, T duplicated. VCF-style (leftmost placement, unchanged base first): chr17-31219006-A-AT. GRCh37 (hg19) VCF-style: chr17-29546024-A-AT.
Other names: c.1530dup, p.Pro511Serfs (NM_000267.4); c.1530dup, p.Pro511fs (NM_001128147.3); short protein forms P511fs.
Identifiers: ClinVar variation 2770423 (VCV002770423.3), dbSNP rs1388369479, ClinGen allele CA2697559690.

ClinVar aggregate classification (germline): Pathogenic (1 of 4 stars; one submission).

Conditions:
Neurofibromatosis, type 1 (NF1). Also called: VON RECKLINGHAUSEN DISEASE; Neurofibromatosis, type I; NEUROFIBROMATOSIS, TYPE I, SOMATIC; Peripheral type neurofibromatosis. Identifiers: Orphanet 636, MedGen C0027831, MONDO:0018975, OMIM 162200. Disease mechanism: loss of function.

Submission:

Labcorp Genetics (formerly Invitae), Labcorp
Classification: Pathogenic for Neurofibromatosis, type 1. Last evaluated: 2023-10-26. Review status: criteria provided, single submitter. Criteria: Invitae Variant Classification Sherloc (09022015). Collection method: clinical testing. Allele origin: germline.
Comment: This sequence change creates a premature translational stop signal (p.Pro511Serfs*47) in the NF1 gene. It is expected to result in an absent or disrupted protein product. Loss-of-function variants in NF1 are known to be pathogenic (PMID: 10712197, 23913538). This variant is not present in population databases (gnomAD no frequency). This variant has not been reported in the literature in individuals affected with NF1-related conditions. For these reasons, this variant has been classified as Pathogenic.

Literature cited by the submitters: PubMed 10712197; PubMed 23913538.